The following is an entry in ClinVar:

NM_004183.4(BEST1):c.938G>A (p.Arg313Lys)

Gene: BEST1 (bestrophin 1; plus strand). Cytogenetic location: 11q12.3.
Variant type: single nucleotide variant.
Coding change: c.938G>A on transcript NM_004183.4 (MANE Select); coding-DNA position 938, G replaced by A.
Protein change: p.Arg313Lys; replaces arginine 313 with lysine.
Molecular consequence: missense variant. On other transcripts: non-coding transcript variant (1), intron variant (1).
Genome position (GRCh38, 1-based): chr11:61,959,568, G>A. VCF-style: chr11-61959568-G-A. GRCh37 (hg19) VCF-style: chr11-61727040-G-A.
Other names: c.620G>A, p.Arg207Lys (NM_001363591.3); c.1141G>A, p.Gly381Arg (NM_001363592.2); c.-35G>A (NM_001363593.3); c.688-324G>A (NM_001300786.2); c.758G>A, p.Arg253Lys (NM_001139443.3, NM_001300787.2); short protein forms G381R, R207K, R253K, R313K.
Identifiers: ClinVar variation 1713590 (VCV001713590.5), dbSNP rs2541396195, ClinGen allele CA380844150.

ClinVar aggregate classification (germline): Uncertain significance (1 of 4 stars; one submission).

Submission:

Labcorp Genetics (formerly Invitae), Labcorp
Classification: Uncertain significance. Last evaluated: 2022-11-22. Review status: criteria provided, single submitter. Criteria: Invitae Variant Classification Sherloc (09022015). Collection method: clinical testing. Allele origin: germline.
Comment: In summary, the available evidence is currently insufficient to determine the role of this variant in disease. Therefore, it has been classified as a Variant of Uncertain Significance. Advanced modeling of protein sequence and biophysical properties (such as structural, functional, and spatial information, amino acid conservation, physicochemical variation, residue mobility, and thermodynamic stability) performed at Invitae indicates that this missense variant is expected to disrupt BEST1 protein function. This variant has not been reported in the literature in individuals affected with BEST1-related conditions. This variant is not present in population databases (gnomAD no frequency). This sequence change replaces arginine, which is basic and polar, with lysine, which is basic and polar, at codon 313 of the BEST1 protein (p.Arg313Lys).